The following is an entry in ClinVar:

NM_016111.4(TELO2):c.1606C>T (p.Arg536Trp)

Gene: TELO2 (telomere maintenance 2; plus strand). Cytogenetic location: 16p13.3.
Variant type: single nucleotide variant.
Coding change: c.1606C>T on transcript NM_016111.4 (MANE Select); coding-DNA position 1606, C replaced by T.
Protein change: p.Arg536Trp; replaces arginine 536 with tryptophan.
Molecular consequence: missense variant.
Genome position (GRCh38, 1-based): chr16:1,502,357, C>T. VCF-style: chr16-1502357-C-T. GRCh37 (hg19) VCF-style: chr16-1552358-C-T.
Other names: c.1606C>T, p.Arg536Trp (NM_001351846.2); short protein forms R536W.
Identifiers: ClinVar variation 2144885 (VCV002144885.3), dbSNP rs745537866, ClinGen allele CA7812229.

ClinVar aggregate classification (germline): Uncertain significance (1 of 4 stars; one submission).

Allele frequency attached by ClinVar (database versions not stated): gnomAD exomes 0.00001; TOPMed 0.00003; ExAC 0.00004; gnomAD 0.00005.
gnomAD v4.1: 19 of 1,604,850 alleles (0.0012%); highest among the groups gnomAD compares: East Asian, 0.0045%; no homozygotes.

Submission:

Labcorp Genetics (formerly Invitae), Labcorp
Classification: Uncertain significance. Last evaluated: 2022-05-27. Review status: criteria provided, single submitter. Criteria: Invitae Variant Classification Sherloc (09022015). Collection method: clinical testing. Allele origin: germline.
Comment: This sequence change replaces arginine, which is basic and polar, with tryptophan, which is neutral and slightly polar, at codon 536 of the TELO2 protein (p.Arg536Trp). The frequency data for this variant in the population databases is considered unreliable, as metrics indicate poor data quality at this position in the gnomAD database. This variant has not been reported in the literature in individuals affected with TELO2-related conditions. Algorithms developed to predict the effect of missense changes on protein structure and function output the following: SIFT: "Tolerated"; PolyPhen-2: "Benign"; Align-GVGD: "Class C0". The tryptophan amino acid residue is found in multiple mammalian species, which suggests that this missense change does not adversely affect protein function. In summary, the available evidence is currently insufficient to determine the role of this variant in disease. Therefore, it has been classified as a Variant of Uncertain Significance.